The following is an entry in ClinVar:

ClinVar aggregate classification (germline): Uncertain significance (1 of 4 stars; one submission).

Allele frequency attached by ClinVar (database versions not stated): ExAC 0.00001; TOPMed 0.00001; gnomAD exomes 0.00002; gnomAD 0.00003 and 0.00004; ESP Exome Variant Server 0.00008.

Submission:

GeneDx
Classification: Uncertain significance. Last evaluated: 2014-04-11. Review status: criteria provided, single submitter. Criteria: GeneDx Variant Classification (06012015). Collection method: clinical testing. Allele origin: germline. Affected: yes.
Comment: c.1512dupT: p.Glu505Stop (E505X) in exon 13 of the HARS2 gene (NM_012208.2). The normal sequence with the base that is duplicated in braces is:TGTC{T}GAGT. The c.1512dupT variant has not been published as a mutation, nor has it been reported as a benign polymorphism to our knowledge. The duplication causes the replacement of the normal Glutamic Acid codon at position 505 with a Stop codon, denoted p.Glu505Stop, which is predicted to cause protein truncation. However, only the last two amino acids of the HARS2 protein are lost. Whether or not the loss of the last two amino acids will effect the structure/function of the protein is not known as other mutations resulting in protein truncation have not been reported in the HARS2 gene. Therefore, based on the currently available information, it is unclear whether this variant is a pathogenic mutation or a rare benign variant. The variant is found in MITONUC-MITOP panel(s).

NM_012208.4(HARS2):c.1512dup (p.Glu505Ter)

Gene: HARS2 (histidyl-tRNA synthetase 2, mitochondrial; plus strand). Cytogenetic location: 5q31.3.
Variant type: Duplication.
Coding change: c.1512dup on transcript NM_012208.4 (MANE Select); coding-DNA position 1512, one base duplicated (T; older notation c.1512dupT).
Protein change: p.Glu505Ter; replaces glutamic acid 505 with a stop codon.
Molecular consequence: nonsense.
Genome position (GRCh38, 1-based): chr5:140,698,543, T duplicated. VCF-style (leftmost placement, unchanged base first): chr5-140698542-C-CT. GRCh37 (hg19) VCF-style: chr5-140078127-C-CT.
Other names: c.1437dup, p.Glu480Ter (NM_001278731.2); c.1080dup, p.Glu361Ter (NM_001278732.2); c.1530dup, p.Glu511Ter (NM_001363535.2); c.1302dup, p.Glu435Ter (NM_001363536.2); short protein forms E435*, E480*, E505*, E361*, E511*.
Identifiers: ClinVar variation 214548 (VCV000214548.1), dbSNP rs863224041, ClinGen allele CA322093.
Genomic context (GRCh38, chr5:140,698,542, plus strand): 5'-TTATGTTTCAGGTGGCCATTAAACGGGAAAATTTTGTGGCTGAAATTCAGAAGCGACTGT[C>CT]TGAGTCTTGATCCTTGCCTGATTCCCATCTGCTGCTCTTTGTAGAAAAGGTTTCCTCTAG-3'